The following is an entry in ClinVar:

NM_015378.4(VPS13D):c.1728A>G (p.Gln576=)

Gene: VPS13D (vacuolar protein sorting 13 homolog D; plus strand). Cytogenetic location: 1p36.22.
Variant type: single nucleotide variant.
Coding change: c.1728A>G on transcript NM_015378.4 (MANE Select); coding-DNA position 1728, A replaced by G.
Protein change: p.Gln576=; no amino-acid change (glutamine 576 retained).
Molecular consequence: synonymous variant.
Genome position (GRCh38, 1-based): chr1:12,267,847, A>G. VCF-style: chr1-12267847-A-G. GRCh37 (hg19) VCF-style: chr1-12327904-A-G.
Other names: p.Gln576=; c.1728A>G, p.Gln576= (NM_018156.4).
Identifiers: ClinVar variation 1563324 (VCV001563324.11), dbSNP rs142087616, ClinGen allele CA601616.

ClinVar aggregate classification (germline): Conflicting classifications of pathogenicity. Review status: criteria provided, conflicting classifications (1 of 4 stars). 3 submissions from 3 submitters: Uncertain significance (1); Likely benign (2). Last evaluated 2025-11-19.

Allele frequency attached by ClinVar (database versions not stated): gnomAD exomes 0.00018 and 0.00020; TOPMed 0.00021; ExAC 0.00022; gnomAD 0.00025 and 0.00027; ESP Exome Variant Server 0.00031.
gnomAD v4.1: 330 of 1,614,018 alleles (0.02%); highest among the groups gnomAD compares: Non-Finnish European, 0.026%; 1 homozygote.

Submissions (3):

Labcorp Genetics (formerly Invitae), Labcorp
Classification: Likely benign. Last evaluated: 2025-11-19. Review status: criteria provided, single submitter. Criteria: Invitae Variant Classification Sherloc (09022015). Collection method: clinical testing. Allele origin: germline.

Mayo Clinic Laboratories, Mayo Clinic
Classification: Uncertain significance. Last evaluated: 2025-09-25. Review status: criteria provided, single submitter. Criteria: ACMG Guidelines, 2015. Collection method: clinical testing. Allele origin: germline. Observed: 2 variant alleles.
Comment: PP3

Blueprint Genetics
Classification: Likely benign. Last evaluated: 2024-11-05. Review status: criteria provided, single submitter. Criteria: ACMG Guidelines, 2015. Collection method: clinical testing. Allele origin: germline.

Literature cited by the submitters: PubMed 37273706 (cited by Mayo Clinic Laboratories, Mayo Clinic).